The following is an entry in ClinVar:

NM_015466.4(PTPN23):c.3743G>C (p.Cys1248Ser)

Gene: PTPN23 (protein tyrosine phosphatase non-receptor type 23; plus strand). Cytogenetic location: 3p21.31.
Variant type: single nucleotide variant.
Coding change: c.3743G>C on transcript NM_015466.4 (MANE Select); coding-DNA position 3743, G replaced by C.
Protein change: p.Cys1248Ser; replaces cysteine 1248 with serine.
Molecular consequence: missense variant.
Genome position (GRCh38, 1-based): chr3:47,411,541, G>C. VCF-style: chr3-47411541-G-C. GRCh37 (hg19) VCF-style: chr3-47453031-G-C.
Other names: c.3365G>C, p.Cys1122Ser (NM_001304482.2); short protein forms C1122S, C1248S.
Identifiers: ClinVar variation 1912447 (VCV001912447.3), dbSNP rs149511966, ClinGen allele CA352563469.

ClinVar aggregate classification (germline): Uncertain significance (1 of 4 stars; one submission).

Submission:

Labcorp Genetics (formerly Invitae), Labcorp
Classification: Uncertain significance. Last evaluated: 2022-02-25. Review status: criteria provided, single submitter. Criteria: Invitae Variant Classification Sherloc (09022015). Collection method: clinical testing. Allele origin: germline.
Comment: In summary, the available evidence is currently insufficient to determine the role of this variant in disease. Therefore, it has been classified as a Variant of Uncertain Significance. Algorithms developed to predict the effect of missense changes on protein structure and function (SIFT, PolyPhen-2, Align-GVGD) all suggest that this variant is likely to be tolerated. This variant has not been reported in the literature in individuals affected with PTPN23-related conditions. This variant is not present in population databases (gnomAD no frequency). This sequence change replaces cysteine, which is neutral and slightly polar, with serine, which is neutral and polar, at codon 1248 of the PTPN23 protein (p.Cys1248Ser).